The following is an entry in ClinVar:

ClinVar aggregate classification (germline): Uncertain significance (1 of 4 stars; one submission).

Conditions:
Cardiovascular phenotype. Identifiers: MedGen CN230736.

Submission:

Ambry Genetics
Classification: Uncertain significance for Cardiovascular phenotype. Last evaluated: 2024-12-28. Review status: criteria provided, single submitter. Criteria: Ambry Variant Classification Scheme 2023. Collection method: clinical testing. Allele origin: germline.
Comment: The p.N2373K variant (also known as c.7119T>A), located in coding exon 31 of the AKAP9 gene, results from a T to A substitution at nucleotide position 7119. The asparagine at codon 2373 is replaced by lysine, an amino acid with similar properties. This amino acid position is conserved. In addition, this alteration is predicted to be tolerated by in silico analysis. Based on the available evidence, the clinical significance of this variant remains unclear.

NM_005751.5(AKAP9):c.7119T>A (p.Asn2373Lys)

Gene: AKAP9 (A-kinase anchoring protein 9; plus strand). Cytogenetic location: 7q21.2.
Variant type: single nucleotide variant.
Coding change: c.7119T>A on transcript NM_005751.5 (MANE Select); coding-DNA position 7119, T replaced by A.
Protein change: p.Asn2373Lys; replaces asparagine 2373 with lysine.
Molecular consequence: missense variant.
Genome position (GRCh38, 1-based): chr7:92,079,252, T>A. VCF-style: chr7-92079252-T-A. GRCh37 (hg19) VCF-style: chr7-91708566-T-A.
Other names: c.1764T>A, p.Asn588Lys (NM_001379277.1); c.7095T>A, p.Asn2365Lys (NM_147185.3); short protein forms N2365K, N2373K, N588K.
Identifiers: ClinVar variation 3849283 (VCV003849283.1).
Genomic context (GRCh38, chr7:92,079,252, plus strand): 5'-TGAAGTGATTGAAAAACTTCAACAGGAATTGGCAAATATTGGACAGAAGACATCAATGAA[T>A]GCTCATTCCCTCTCAGAAGAAGCAGACAGTTTAAAACATCAATTGGATGTGGTTATAGCT-3'
Protein context (NP_005742.4, residues 2363-2383): LANIGQKTSM[Asn2373Lys]AHSLSEEADS